The following is an entry in ClinVar:

ClinVar aggregate classification (germline): Likely pathogenic (1 of 4 stars; one submission).

Conditions:
Spongy degeneration of central nervous system. Also called: ACY2 DEFICIENCY; AMINOACYLASE 2 DEFICIENCY; ASP DEFICIENCY; ASPA DEFICIENCY; ASPARTOACYLASE DEFICIENCY; CANAVAN-VAN BOGAERT-BERTRAND DISEASE. Identifiers: Orphanet 141, MedGen C0206307, MONDO:0010079, OMIM 271900.

Submission:

Natera, Inc.
Classification: Likely pathogenic for Canavan Disease. Last evaluated: 2024-05-16. Review status: criteria provided, single submitter. Criteria: Natera Variant Classification Schema (03/2026). Collection method: clinical testing. Allele origin: germline.
Comment: The c.372dupC variant in ASPA is a frameshift variant predicted to shift the reading frame beginning at codon 125 and leads to a stop codon 5 codons downstream. This variant is expected to result in nonsense mediated decay, truncation, or a dysfunctional protein product. This variant is rare in the general population with a frequency below the threshold expected for the associated phenotype(s). Given the available evidence, this variant is classified as Likely Pathogenic.

NM_000049.4(ASPA):c.372dup (p.Thr125fs)

Genes: ASPA (aspartoacylase; plus strand), SPATA22 (spermatogenesis associated 22; minus strand). Cytogenetic location: 17p13.2.
Variant type: Duplication.
Coding change: c.372dup on transcript NM_000049.4 (MANE Select); coding-DNA position 372, one base duplicated (C; older notation c.372dupC).
Protein change: p.Thr125fs; shifts the reading frame from threonine 125.
Molecular consequence: frameshift variant. On other transcripts: intron variant (2).
Genome position (GRCh38, 1-based): chr17:3,481,738, C duplicated. VCF-style (leftmost placement, unchanged base first): chr17-3481737-G-GC. GRCh37 (hg19) VCF-style: chr17-3385031-G-GC.
Other names: c.372dup, p.Thr125fs (NM_001128085.1); c.-73-12340dup (NM_001321336.2, NM_001321337.2); short protein forms T125fs.
Identifiers: ClinVar variation 4818422 (VCV004818422.1).